The following is an entry in ClinVar:

ClinVar aggregate classification (germline): Uncertain significance (1 of 4 stars; one submission).

Conditions:
Dilated cardiomyopathy 1DD (CMD1DD). Identifiers: Orphanet 154, MedGen C2750995, MONDO:0013168, OMIM 613172.

Allele frequency attached by ClinVar (database versions not stated): TOPMed 0.00001.

Submission:

Labcorp Genetics (formerly Invitae), Labcorp
Classification: Uncertain significance for Dilated cardiomyopathy 1DD. Last evaluated: 2025-08-17. Review status: criteria provided, single submitter. Criteria: Invitae Variant Classification Sherloc (09022015). Collection method: clinical testing. Allele origin: germline.
Comment: This sequence change replaces glycine, which is neutral and non-polar, with glutamic acid, which is acidic and polar, at codon 227 of the RBM20 protein (p.Gly227Glu). This variant is not present in population databases (gnomAD no frequency). This variant has not been reported in the literature in individuals affected with RBM20-related conditions. ClinVar contains an entry for this variant (Variation ID: 573493). Invitae Evidence Modeling of protein sequence and biophysical properties (such as structural, functional, and spatial information, amino acid conservation, physicochemical variation, residue mobility, and thermodynamic stability) has been performed for this missense variant. However, the output from this modeling did not meet the statistical confidence thresholds required to predict the impact of this variant on RBM20 protein function. In summary, the available evidence is currently insufficient to determine the role of this variant in disease. Therefore, it has been classified as a Variant of Uncertain Significance.

NM_001134363.3(RBM20):c.680G>A (p.Gly227Glu)

Gene: RBM20 (RNA binding motif protein 20; plus strand). Cytogenetic location: 10q25.2.
Variant type: single nucleotide variant.
Coding change: c.680G>A on transcript NM_001134363.3 (MANE Select); coding-DNA position 680, G replaced by A.
Protein change: p.Gly227Glu; replaces glycine 227 with glutamic acid.
Molecular consequence: missense variant.
Genome position (GRCh38, 1-based): chr10:110,781,289, G>A. VCF-style: chr10-110781289-G-A. GRCh37 (hg19) VCF-style: chr10-112541047-G-A.
Other names: short protein forms G227E.
Identifiers: ClinVar variation 573493 (VCV000573493.8), dbSNP rs202238753, ClinGen allele CA378382174.
Genomic context (GRCh38, chr10:110,781,289, plus strand): 5'-CTGGCCAGCCAGCAGTCATCTTGGGCATTGGCAAGACTGGGCCTGCTCCAGCTACAGCAG[G>A]ATTCTATGAGTATGGCAAAGCCAGCTCTGGCCAGACATATGGCCCTGAAACAGATGGTCA-3'
Protein context (NP_001127835.2, residues 217-237): GKTGPAPATA[Gly227Glu]FYEYGKASSG